The following is an entry in ClinVar:

NM_004525.3(LRP2):c.1277C>T (p.Ala426Val)

Gene: LRP2 (LDL receptor related protein 2; minus strand). Cytogenetic location: 2q31.1.
Variant type: single nucleotide variant.
Coding change: c.1277C>T on transcript NM_004525.3 (MANE Select); coding-DNA position 1277, C replaced by T.
Protein change: p.Ala426Val; replaces alanine 426 with valine.
Molecular consequence: missense variant.
Genome position (GRCh38, 1-based): chr2:169,280,414, G>A on the plus strand (C>T on the coding strand, the complement: LRP2 is on the minus strand). VCF-style: chr2-169280414-G-A. GRCh37 (hg19) VCF-style: chr2-170136924-G-A.
Other names: short protein forms A426V.
Identifiers: ClinVar variation 1467840 (VCV001467840.5), dbSNP rs2105450895, ClinGen allele CA349150121.

ClinVar aggregate classification (germline): Uncertain significance (1 of 4 stars; one submission).

Allele frequency attached by ClinVar (database versions not stated): gnomAD exomes below 0.00001.
gnomAD v4.1: 4 of 1,614,080 alleles (0.00025%); highest among the groups gnomAD compares: Middle Eastern, 0.033%; no homozygotes.

Submission:

Labcorp Genetics (formerly Invitae), Labcorp
Classification: Uncertain significance. Last evaluated: 2022-07-25. Review status: criteria provided, single submitter. Criteria: Invitae Variant Classification Sherloc (09022015). Collection method: clinical testing. Allele origin: germline.
Comment: This sequence change replaces alanine, which is neutral and non-polar, with valine, which is neutral and non-polar, at codon 426 of the LRP2 protein (p.Ala426Val). This variant is not present in population databases (gnomAD no frequency). This variant has not been reported in the literature in individuals affected with LRP2-related conditions. ClinVar contains an entry for this variant (Variation ID: 1467840). Algorithms developed to predict the effect of missense changes on protein structure and function output the following: SIFT: "Tolerated"; PolyPhen-2: "Benign"; Align-GVGD: "Class C0". The valine amino acid residue is found in multiple mammalian species, which suggests that this missense change does not adversely affect protein function. In summary, the available evidence is currently insufficient to determine the role of this variant in disease. Therefore, it has been classified as a Variant of Uncertain Significance.